The following is an entry in ClinVar:

NM_001134831.2(AHI1):c.2012C>T (p.Thr671Ile)

Gene: AHI1 (Abelson helper integration site 1; minus strand). Cytogenetic location: 6q23.3.
Variant type: single nucleotide variant.
Coding change: c.2012C>T on transcript NM_001134831.2 (MANE Select); coding-DNA position 2012, C replaced by T.
Protein change: p.Thr671Ile; replaces threonine 671 with isoleucine.
Molecular consequence: missense variant.
Genome position (GRCh38, 1-based): chr6:135,438,399, G>A on the plus strand (C>T on the coding strand, the complement: AHI1 is on the minus strand). VCF-style: chr6-135438399-G-A. GRCh37 (hg19) VCF-style: chr6-135759537-G-A.
Other names: c.2012C>T, p.Thr671Ile (NM_001134830.2, NM_001134832.2, NM_001350503.2 and 2 more transcripts); short protein forms T671I.
Identifiers: ClinVar variation 217528 (VCV000217528.9), dbSNP rs772989270, ClinGen allele CA277741.

ClinVar aggregate classification (germline): Conflicting classifications of pathogenicity. Review status: criteria provided, conflicting classifications (1 of 4 stars). 5 submissions from 5 submitters: Pathogenic (2); Likely pathogenic (2); Uncertain significance (1). Last evaluated 2025-04-29.

Conditions:
AHI1-related disorder. Also called: AHI1-related condition.
Joubert syndrome 3 (JBTS3). Also called: AHI1-related Ciliopathy. Identifiers: Orphanet 220493, MedGen C1837713, MONDO:0012078, OMIM 608629.
Joubert syndrome. Also called: Familial aplasia of the vermis; JOUBERT-BOLTSHAUSER SYNDROME. Identifiers: Orphanet 475, MedGen C5979921, MONDO:0018772.

Allele frequency attached by ClinVar (database versions not stated): gnomAD exomes 0.00004.
gnomAD v4.1: 58 of 1,576,582 alleles (0.0037%); highest among the groups gnomAD compares: Non-Finnish European, 0.0049%; no homozygotes.

Submissions (5):

PreventionGenetics, part of Exact Sciences
Classification: Likely pathogenic for AHI1-related condition. Last evaluated: 2025-04-29. Review status: criteria provided, single submitter. Criteria: ACMG Guidelines, 2015. Collection method: clinical testing. Allele origin: germline.
Comment: The AHI1 c.2012C>T variant is predicted to result in the amino acid substitution p.Thr671Ile. This variant has been reported in the homozygous state in individuals with Joubert syndrome (Parisi et al. 2006. PubMed ID: 16155189; Table S5, Bachmann-Gagescu et al. 2015. PubMed ID: 26092869; Knopp et al. 2015. PubMed ID: 26003401). In silico evaluation of this variant suggests the variant disrupts the WD40 domain (Nguyen et al. 2017. PubMed ID: 28442542). This variant has not been reported in a large population database (gnomAD), indicating this variant is rare. This variant is interpreted as likely pathogenic.

Labcorp Genetics (formerly Invitae), Labcorp
Classification: Pathogenic for Joubert syndrome. Last evaluated: 2024-12-03. Review status: criteria provided, single submitter. Criteria: Invitae Variant Classification Sherloc (09022015). Collection method: clinical testing. Allele origin: germline.
Comment: This sequence change replaces threonine, which is neutral and polar, with isoleucine, which is neutral and non-polar, at codon 671 of the AHI1 protein (p.Thr671Ile). This variant is not present in population databases (gnomAD no frequency). This missense change has been observed in individual(s) with Joubert syndrome (PMID: 16155189). ClinVar contains an entry for this variant (Variation ID: 217528). Invitae Evidence Modeling of protein sequence and biophysical properties (such as structural, functional, and spatial information, amino acid conservation, physicochemical variation, residue mobility, and thermodynamic stability) indicates that this missense variant is expected to disrupt AHI1 protein function with a positive predictive value of 95%. For these reasons, this variant has been classified as Pathogenic.

GeneDx
Classification: Likely pathogenic. Last evaluated: 2024-04-03. Review status: criteria provided, single submitter. Criteria: GeneDx Variant Classification Process June 2021. Collection method: clinical testing. Allele origin: germline. Affected: yes.
Comment: Not observed at significant frequency in large population cohorts (gnomAD); In silico analysis supports that this missense variant has a deleterious effect on protein structure/function; This variant is associated with the following publications: (PMID: 28442542, 26003401, 31589614, 26092869, 15467982, 16155189)

Blueprint Genetics
Classification: Uncertain significance. Last evaluated: 2018-11-16. Review status: criteria provided, single submitter. Criteria: ACMG Guidelines, 2015. Collection method: clinical testing. Allele origin: germline.

UW Hindbrain Malformation Research Program, University of Washington
Classification: Pathogenic for Joubert syndrome 3. Last evaluated: 2015-02-23. Review status: criteria provided, single submitter. Criteria: Bachmann-Gagescu et al. (J Med Genet. 2015). Collection method: research. Allele origin: unknown. Affected: yes.

Literature cited by the submitters: PubMed 16155189 (cited by Labcorp Genetics (formerly Invitae), Labcorp).